The following is an entry in ClinVar:

NM_019842.4(KCNQ5):c.1217C>T (p.Thr406Ile)

Gene: KCNQ5 (potassium voltage-gated channel subfamily Q member 5; plus strand). Cytogenetic location: 6q13.
Variant type: single nucleotide variant.
Coding change: c.1217C>T on transcript NM_019842.4 (MANE Select); coding-DNA position 1217, C replaced by T.
Protein change: p.Thr406Ile; replaces threonine 406 with isoleucine.
Molecular consequence: missense variant.
Genome position (GRCh38, 1-based): chr6:73,120,574, C>T. VCF-style: chr6-73120574-C-T. GRCh37 (hg19) VCF-style: chr6-73830297-C-T.
Other names: c.1217C>T, p.Thr406Ile (NM_001160130.2, NM_001160132.2, NM_001160133.2 and 1 more transcripts); short protein forms T406I.
Identifiers: ClinVar variation 2839486 (VCV002839486.16), dbSNP rs745844154, ClinGen allele CA3886920.
Genomic context (GRCh38, chr6:73,120,574, plus strand): 5'-AATCTGTTTCCATTGCAACCTGGAAGCCACACTTGAAGGCCTTGCACACCTGCAGCCCTA[C>T]CAAGTAGGTATCAGTGTGACAGCTGCCACTGTAGTTGAGTCTTTTCAAGTCTGTTAAACA-3'
Protein context (NP_062816.2, residues 396-416): HLKALHTCSP[Thr406Ile]KKEQGEASSS

ClinVar aggregate classification (germline): Uncertain significance. Review status: criteria provided, multiple submitters, no conflicts (2 of 4 stars). 2 submissions from 2 submitters: Uncertain significance (2). Last evaluated 2025-01-01.

Allele frequency attached by ClinVar (database versions not stated): gnomAD exomes 0.00001; TOPMed 0.00001; ExAC 0.00002.
gnomAD v4.1: 9 of 1,605,596 alleles (0.00056%); highest among the groups gnomAD compares: Non-Finnish European, 0.00077%; no homozygotes.

Submissions (2):

CeGaT Center for Human Genetics Tuebingen
Classification: Uncertain significance. Last evaluated: 2025-01-01. Review status: criteria provided, single submitter. Criteria: CeGaT Center For Human Genetics Tuebingen Variant Classification Criteria Version 2. Collection method: clinical testing. Allele origin: germline. Affected: yes. Observed: 1 variant allele.

Labcorp Genetics (formerly Invitae), Labcorp
Classification: Uncertain significance. Last evaluated: 2023-11-27. Review status: criteria provided, single submitter. Criteria: Invitae Variant Classification Sherloc (09022015). Collection method: clinical testing. Allele origin: germline.
Comment: This sequence change replaces threonine, which is neutral and polar, with isoleucine, which is neutral and non-polar, at codon 406 of the KCNQ5 protein (p.Thr406Ile). This variant is present in population databases (rs745844154, gnomAD 0.003%). This variant has not been reported in the literature in individuals affected with KCNQ5-related conditions. Advanced modeling of protein sequence and biophysical properties (such as structural, functional, and spatial information, amino acid conservation, physicochemical variation, residue mobility, and thermodynamic stability) performed at Invitae indicates that this missense variant is not expected to disrupt KCNQ5 protein function with a negative predictive value of 80%. In summary, the available evidence is currently insufficient to determine the role of this variant in disease. Therefore, it has been classified as a Variant of Uncertain Significance.